The following is an entry in ClinVar:

ClinVar aggregate classification (germline): Uncertain significance (1 of 4 stars; one submission).

Conditions:
Regional enteritis. Also called: Enteritis, Granulomatous. Identifiers: MedGen C0678202, MeSH D003424.
Blau syndrome (BLAUS). Also called: ARTHROCUTANEOUVEAL GRANULOMATOSIS; GRANULOMATOSIS, FAMILIAL JUVENILE SYSTEMIC; GRANULOMATOSIS, FAMILIAL, BLAU TYPE; GRANULOMATOUS INFLAMMATORY ARTHRITIS, DERMATITIS, AND UVEITIS, FAMILIAL; JABS SYNDROME. Identifiers: Orphanet 90340, MedGen C5201146, MONDO:0008523, OMIM 186580.

gnomAD v4.1: 1 of 1,613,810 alleles (0.000062%); highest among the groups gnomAD compares: Non-Finnish European, 0.000085%; no homozygotes.

Submission:

Labcorp Genetics (formerly Invitae), Labcorp
Classification: Uncertain significance for Regional enteritis; Blau syndrome. Last evaluated: 2025-07-01. Review status: criteria provided, single submitter. Criteria: Invitae Variant Classification Sherloc (09022015). Collection method: clinical testing. Allele origin: germline.
Comment: This sequence change replaces methionine, which is neutral and non-polar, with valine, which is neutral and non-polar, at codon 640 of the NOD2 protein (p.Met640Val). This variant is not present in population databases (gnomAD no frequency). This variant has not been reported in the literature in individuals affected with NOD2-related conditions. Invitae Evidence Modeling of protein sequence and biophysical properties (such as structural, functional, and spatial information, amino acid conservation, physicochemical variation, residue mobility, and thermodynamic stability) indicates that this missense variant is not expected to disrupt NOD2 protein function with a negative predictive value of 95%. In summary, the available evidence is currently insufficient to determine the role of this variant in disease. Therefore, it has been classified as a Variant of Uncertain Significance.

NM_001370466.1(NOD2):c.1837A>G (p.Met613Val)

Gene: NOD2 (nucleotide binding oligomerization domain containing 2; plus strand). Cytogenetic location: 16q12.1.
Variant type: single nucleotide variant.
Coding change: c.1837A>G on transcript NM_001370466.1 (MANE Select); coding-DNA position 1837, A replaced by G.
Protein change: p.Met613Val; replaces methionine 613 with valine.
Molecular consequence: missense variant. On other transcripts: non-coding transcript variant (1).
Genome position (GRCh38, 1-based): chr16:50,711,829, A>G. VCF-style: chr16-50711829-A-G. GRCh37 (hg19) VCF-style: chr16-50745740-A-G.
Other names: c.1837A>G, p.Met613Val (NM_001293557.2); c.1918A>G, p.Met640Val (NM_022162.3); short protein forms M613V, M640V.
Identifiers: ClinVar variation 4792442 (VCV004792442.1).
Genomic context (GRCh38, chr16:50,711,829, plus strand): 5'-GATGTGCCACCAGCTTTGCTCAGACACCTCTTCAATTGTGGCAGGCCAGGCAACTCACCA[A>G]TGGCCAGGCTCCTGCCCACGATGTGCATCCAGGCCTCGGAGGGAAAGGACAGCAGCGTGG-3'
Protein context (NP_001357395.1, residues 603-623): FNCGRPGNSP[Met613Val]ARLLPTMCIQ